The following is an entry in ClinVar:

ClinVar aggregate classification (germline): Pathogenic. Review status: criteria provided, multiple submitters, no conflicts (2 of 4 stars). 6 submissions from 6 submitters: Pathogenic (5). 1 of the submissions does not count toward it. Last evaluated 2024-08-31.

Conditions:
Primary ciliary dyskinesia 7. Also called: CILIARY DYSKINESIA, PRIMARY, 7, WITH OR WITHOUT SITUS INVERSUS. Identifiers: Orphanet 244, MedGen C2678473, MONDO:0012748, OMIM 611884.
Primary ciliary dyskinesia. Also called: Ciliary dyskinesia. Identifiers: Orphanet 244, MedGen C0008780, MONDO:0016575, HP:0012265.

Allele frequency attached by ClinVar (database versions not stated): TOPMed 0.00003.
gnomAD v4.1: 13 of 1,613,882 alleles (0.00081%); highest among the groups gnomAD compares: African/African-American, 0.0027%; no homozygotes.

Submissions (6):

Labcorp Genetics (formerly Invitae), Labcorp
Classification: Pathogenic for Primary ciliary dyskinesia. Last evaluated: 2024-08-31. Review status: criteria provided, single submitter. Criteria: Invitae Variant Classification Sherloc (09022015). Collection method: clinical testing. Allele origin: germline.
Comment: This sequence change creates a premature translational stop signal (p.Arg4357*) in the DNAH11 gene. It is expected to result in an absent or disrupted protein product. Loss-of-function variants in DNAH11 are known to be pathogenic (PMID: 18022865, 20513915, 22184204). This variant is present in population databases (rs775720394, gnomAD 0.002%). This variant has not been reported in the literature in individuals affected with DNAH11-related conditions. ClinVar contains an entry for this variant (Variation ID: 454655). For these reasons, this variant has been classified as Pathogenic.

ARUP Laboratories, Molecular Genetics and Genomics, ARUP Laboratories
Classification: Pathogenic for Primary ciliary dyskinesia 7. Last evaluated: 2024-06-28. Review status: criteria provided, single submitter. Criteria: ARUP Molecular Germline Variant Investigation Process 2024. Collection method: clinical testing. Allele origin: germline.
Comment: The DNAH11 c.13069C>T; p.Arg4357Ter variant (rs775720394), also known as c.13090C>T p.Arg4364Ter for NM_003777, is reported in the literature in a compound heterozygous individual affected with primary ciliary dyskinesia and situs inversus (Shoemark 2018, Shoemark 2021). This variant is reported as pathogenic in ClinVar (Variation ID: 454655). This variant is only observed on two alleles in the Genome Aggregation Database (v2.1.1), indicating it is not a common polymorphism. This variant induces an early termination codon and is predicted to result in a truncated protein or mRNA subject to nonsense-mediated decay. Based on available information, this variant is considered to be pathogenic. References: Shoemark A et al. Primary ciliary dyskinesia with normal ultrastructure: three-dimensional tomography detects absence of DNAH11. Eur Respir J. 2018 Feb 21;51(2):1701809. PMID: 29467202. Shoemark A et al. Topological data analysis reveals genotype-phenotype relationships in primary ciliary dyskinesia. Eur Respir J. 2021 Aug 5;58(2):2002359. PMID: 33479112.

Department of Human Genetics, Hannover Medical School
Classification: Pathogenic for Primary ciliary dyskinesia 7. Last evaluated: 2023-09-19. Review status: criteria provided, single submitter. Criteria: ACMG Guidelines, 2015. Collection method: clinical testing. Allele origin: germline. Inheritance: Autosomal recessive inheritance. Affected: yes.

Victorian Clinical Genetics Services, Murdoch Childrens Research Institute
Classification: Pathogenic for Primary ciliary dyskinesia 7. Last evaluated: 2023-07-17. Review status: criteria provided, single submitter. Criteria: ACMG Guidelines, 2015. Collection method: clinical testing. Allele origin: germline. Inheritance: Autosomal recessive inheritance.
Comment: Based on the classification scheme VCGS_Germline_v1.3.4, this variant is classified as Pathogenic. Following criteria are met: 0102 - Loss of function is a known mechanism of disease in this gene and is associated with primary ciliary dyskinesia 7, with or without situs inversus (MIM#611884). (I) 0106 - This gene is associated with autosomal recessive disease. (I) 0201 - Variant is predicted to cause nonsense-mediated decay (NMD) and loss of protein (premature termination codon is located at least 54 nucleotides upstream of the final exon-exon junction). (SP) 0251 - This variant is heterozygous. (I) 0304 - Variant is present in gnomAD <0.01 for a recessive condition (v2 & v3: 5 heterozygotes, 0 homozygotes). (SP) 0701 - Other variants predicted to cause NMD comparable to the one identified in this case have very strong previous evidence for pathogenicity (DECIPHER). (SP) 0802 - This variant has moderate previous evidence of pathogenicity in unrelated individuals. It was regarded as pathogenic by multiple diagnostic laboratories in ClinVar. (I) Legend: (SP) - Supporting pathogenic, (I) - Information, (SB) - Supporting benign

Mendelics
Classification: Pathogenic for Primary ciliary dyskinesia 7. Last evaluated: 2019-05-28. Review status: criteria provided, single submitter. Criteria: Mendelics Assertion Criteria 2017. Collection method: clinical testing. Allele origin: unknown.

Department of Medical Genetics, Tarbiat Modares University
Classification: Pathogenic for Primary ciliary dyskinesia 7. Review status: no assertion criteria provided. Collection method: clinical testing. Allele origin: germline. Affected: yes. Not counted in ClinVar's aggregate classification.

Literature cited by the submitters: PubMed 18022865 (cited by Labcorp Genetics (formerly Invitae), Labcorp); PubMed 20513915 (cited by Labcorp Genetics (formerly Invitae), Labcorp); PubMed 22184204 (cited by Labcorp Genetics (formerly Invitae), Labcorp).

NM_001277115.2(DNAH11):c.13069C>T (p.Arg4357Ter)

Genes: DNAH11 (dynein axonemal heavy chain 11; plus strand), LOC126859962 (BRD4-independent group 4 enhancer GRCh37_chr7:21937780-21938979; plus strand). Cytogenetic location: 7p15.3.
Variant type: single nucleotide variant.
Coding change: c.13069C>T on transcript NM_001277115.2 (MANE Select); coding-DNA position 13069, C replaced by T.
Protein change: p.Arg4357Ter; replaces arginine 4357 with a stop codon.
Molecular consequence: nonsense.
Genome position (GRCh38, 1-based): chr7:21,899,355, C>T. VCF-style: chr7-21899355-C-T. GRCh37 (hg19) VCF-style: chr7-21938973-C-T.
Other names: short protein forms R4357*.
Identifiers: ClinVar variation 454655 (VCV000454655.38), dbSNP rs775720394, ClinGen allele CA4183283.